The following is an entry in ClinVar:

ClinVar aggregate classification (germline): Uncertain significance (1 of 4 stars; one submission).

Submission:

Labcorp Genetics (formerly Invitae), Labcorp
Classification: Uncertain significance. Last evaluated: 2024-12-18. Review status: criteria provided, single submitter. Criteria: Invitae Variant Classification Sherloc (09022015). Collection method: clinical testing. Allele origin: germline.
Comment: This sequence change replaces proline, which is neutral and non-polar, with histidine, which is basic and polar, at codon 60 of the COL9A3 protein (p.Pro60His). This variant is not present in population databases (gnomAD no frequency). This variant has not been reported in the literature in individuals affected with COL9A3-related conditions. Invitae Evidence Modeling of protein sequence and biophysical properties (such as structural, functional, and spatial information, amino acid conservation, physicochemical variation, residue mobility, and thermodynamic stability) indicates that this missense variant is not expected to disrupt COL9A3 protein function with a negative predictive value of 95%. In summary, the available evidence is currently insufficient to determine the role of this variant in disease. Therefore, it has been classified as a Variant of Uncertain Significance.

NM_001853.4(COL9A3):c.179C>A (p.Pro60His)

Gene: COL9A3 (collagen type IX alpha 3 chain; plus strand). Cytogenetic location: 20q13.33.
Variant type: single nucleotide variant.
Coding change: c.179C>A on transcript NM_001853.4 (MANE Select); coding-DNA position 179, C replaced by A.
Protein change: p.Pro60His; replaces proline 60 with histidine.
Molecular consequence: missense variant.
Genome position (GRCh38, 1-based): chr20:62,818,549, C>A. VCF-style: chr20-62818549-C-A. GRCh37 (hg19) VCF-style: chr20-61449901-C-A.
Other names: short protein forms P60H.
Identifiers: ClinVar variation 3637707 (VCV003637707.2).